The following is an entry in ClinVar:

NM_014363.6(SACS):c.6008A>C (p.Asp2003Ala)

Gene: SACS (sacsin molecular chaperone; minus strand). Cytogenetic location: 13q12.12.
Variant type: single nucleotide variant.
Coding change: c.6008A>C on transcript NM_014363.6 (MANE Select); coding-DNA position 6008, A replaced by C.
Protein change: p.Asp2003Ala; replaces aspartic acid 2003 with alanine.
Molecular consequence: missense variant.
Genome position (GRCh38, 1-based): chr13:23,337,868, T>G on the plus strand (A>C on the coding strand, the complement: SACS is on the minus strand). VCF-style: chr13-23337868-T-G. GRCh37 (hg19) VCF-style: chr13-23912007-T-G.
Other names: p.Asp2003Ala; c.5567A>C, p.Asp1856Ala (NM_001278055.2); short protein forms D1856A, D2003A.
Identifiers: ClinVar variation 2683226 (VCV002683226.1), dbSNP rs537408260, ClinGen allele CA387524099.

ClinVar aggregate classification (germline): Uncertain significance (1 of 4 stars; one submission).

gnomAD v4.1: 1 of 1,613,886 alleles (0.000062%); highest among the groups gnomAD compares: Non-Finnish European, 0.000085%; no homozygotes.

Submission:

Mayo Clinic Laboratories, Mayo Clinic
Classification: Uncertain significance. Last evaluated: 2023-03-10. Review status: criteria provided, single submitter. Criteria: ACMG Guidelines, 2015. Collection method: clinical testing. Allele origin: germline. Observed: 1 variant allele.
Comment: PM2